The following is an entry in ClinVar:

NM_015271.5(TRIM2):c.912G>A (p.Met304Ile)

Gene: TRIM2 (tripartite motif containing 2; plus strand). Cytogenetic location: 4q31.3.
Variant type: single nucleotide variant.
Coding change: c.912G>A on transcript NM_015271.5 (MANE Select); coding-DNA position 912, G replaced by A.
Protein change: p.Met304Ile; replaces methionine 304 with isoleucine.
Molecular consequence: missense variant.
Genome position (GRCh38, 1-based): chr4:153,295,438, G>A. VCF-style: chr4-153295438-G-A. GRCh37 (hg19) VCF-style: chr4-154216590-G-A.
Other names: c.831G>A, p.Met277Ile (NM_001130067.2, NM_001351056.2, NM_001375512.1 and 5 more transcripts); c.885G>A, p.Met295Ile (NM_001351054.2); c.882G>A, p.Met294Ile (NM_001351055.2); c.456G>A, p.Met152Ile (NM_001351057.2); c.1005G>A, p.Met335Ile (NM_001375488.1); c.1002G>A, p.Met334Ile (NM_001375489.1); c.855G>A, p.Met285Ile (NM_001375490.1); c.852G>A, p.Met284Ile (NM_001375491.1); and 3 more; short protein forms M191I, M277I, M295I, M304I, M335I, M192I, M285I, M294I.
Identifiers: ClinVar variation 1394336 (VCV001394336.6), dbSNP rs1433319336, ClinGen allele CA358472550.
Genomic context (GRCh38, chr4:153,295,438, plus strand): 5'-CACAGCGCAGGCCCTCAACCATGGCACGGAGACCGAGGTCCTACTGGTGAAGAAGCAGAT[G>A]AGCGAGAAGCTGAACGAGCTGGCCGACCAGGACTTCCCCTTGCACCCGCGGGAGAACGAC-3'
Protein context (NP_056086.2, residues 294-314): ETEVLLVKKQ[Met304Ile]SEKLNELADQ

ClinVar aggregate classification (germline): Uncertain significance (1 of 4 stars; one submission).

Conditions:
Charcot-Marie-Tooth disease type 2R. Also called: Charcot-Marie-Tooth disease, axonal, type 2R; CHARCOT-MARIE-TOOTH NEUROPATHY, TYPE 2R; CHARCOT-MARIE-TOOTH DISEASE, AXONAL, AUTOSOMAL RECESSIVE, TYPE 2R. Identifiers: Orphanet 397968, MedGen C3809655, MONDO:0014208, OMIM 615490.

Submission:

Labcorp Genetics (formerly Invitae), Labcorp
Classification: Uncertain significance for Charcot-Marie-Tooth disease type 2R. Last evaluated: 2021-12-03. Review status: criteria provided, single submitter. Criteria: Invitae Variant Classification Sherloc (09022015). Collection method: clinical testing. Allele origin: germline.
Comment: This variant has not been reported in the literature in individuals affected with TRIM2-related conditions. Algorithms developed to predict the effect of missense changes on protein structure and function are either unavailable or do not agree on the potential impact of this missense change (SIFT: "Deleterious"; PolyPhen-2: "Benign"; Align-GVGD: "Class C0"). In summary, the available evidence is currently insufficient to determine the role of this variant in disease. Therefore, it has been classified as a Variant of Uncertain Significance. This sequence change replaces methionine, which is neutral and non-polar, with isoleucine, which is neutral and non-polar, at codon 277 of the TRIM2 protein (p.Met277Ile). This variant is not present in population databases (gnomAD no frequency).